The following is an entry in ClinVar:

ClinVar aggregate classification (germline): Uncertain significance. Review status: criteria provided, multiple submitters, no conflicts (2 of 4 stars). 4 submissions from 4 submitters: Uncertain significance (4). Last evaluated 2025-12-22.

Conditions:
Ehlers-Danlos syndrome, classic type, 1 (EDSCL1). Also called: EHLERS-DANLOS SYNDROME, GRAVIS TYPE; EHLERS-DANLOS SYNDROME, SEVERE CLASSIC TYPE; Ehlers-Danlos Syndrome, Classic Type, COL5A1-Related; EDS I; Ehlers-Danlos syndrome, type 1. Identifiers: MedGen C0268335, MONDO:0019567, OMIM 130000.
Ehlers-Danlos syndrome, classic type (cEDS). Identifiers: Orphanet 287, MedGen C4225429, MONDO:0007522.
Familial thoracic aortic aneurysm and aortic dissection (TAAD). Also called: Thoracic aortic aneurysms and dissections. Identifiers: Orphanet 91387, MedGen C4707243, MONDO:0019625.

Allele frequency attached by ClinVar (database versions not stated): gnomAD exomes below 0.00001; TOPMed 0.00002; gnomAD 0.00001.
gnomAD v4.1: 13 of 1,613,246 alleles (0.00081%); highest among the groups gnomAD compares: African/African-American, 0.0013%; no homozygotes.

Submissions (4):

Labcorp Genetics (formerly Invitae), Labcorp
Classification: Uncertain significance for Ehlers-Danlos syndrome, classic type, 1. Last evaluated: 2025-12-22. Review status: criteria provided, single submitter. Criteria: Invitae Variant Classification Sherloc (09022015). Collection method: clinical testing. Allele origin: germline.
Comment: This sequence change replaces glycine, which is neutral and non-polar, with arginine, which is basic and polar, at codon 855 of the COL5A2 protein (p.Gly855Arg). This variant is present in population databases (no rsID available, gnomAD 0.0009%). This variant has not been reported in the literature in individuals affected with COL5A2-related conditions. ClinVar contains an entry for this variant (Variation ID: 422188). Invitae Evidence Modeling of protein sequence and biophysical properties (such as structural, functional, and spatial information, amino acid conservation, physicochemical variation, residue mobility, and thermodynamic stability) indicates that this missense variant is expected to disrupt COL5A2 protein function with a positive predictive value of 80%. In summary, the available evidence is currently insufficient to determine the role of this variant in disease. Therefore, it has been classified as a Variant of Uncertain Significance.

GeneDx
Classification: Uncertain significance. Last evaluated: 2024-04-01. Review status: criteria provided, single submitter. Criteria: GeneDx Variant Classification Process June 2021. Collection method: clinical testing. Allele origin: germline. Affected: yes.
Comment: Has not been previously published as pathogenic or benign to our knowledge; Not observed at significant frequency in large population cohorts (gnomAD); In silico analysis supports that this missense variant has a deleterious effect on protein structure/function; This variant is associated with the following publications: (PMID: 22696272)

AiLife Diagnostics
Classification: Uncertain significance. Last evaluated: 2021-12-26. Review status: criteria provided, single submitter. Criteria: ACMG Guidelines, 2015. Collection method: clinical testing. Allele origin: germline. Affected: yes. Observed: 1 variant allele.

Ambry Genetics
Classification: Uncertain significance for Familial thoracic aortic aneurysm and aortic dissection. Last evaluated: 2017-12-12. Review status: criteria provided, single submitter. Criteria: Ambry Variant Classification Scheme 2023. Collection method: clinical testing. Allele origin: germline.
Comment: The p.G855R variant (also known as c.2563G>A), located in coding exon 39 of the COL5A2 gene, results from a G to A substitution at nucleotide position 2563. The glycine at codon 855 is replaced by arginine, an amino acid with dissimilar properties, and is located in the triple helical region. This amino acid position is highly conserved in available vertebrate species. In addition, this alteration is predicted to be deleterious by in silico analysis. Since supporting evidence is limited at this time, the clinical significance of this alteration remains unclear.

NM_000393.5(COL5A2):c.2563G>A (p.Gly855Arg)

Gene: COL5A2 (collagen type V alpha 2 chain; minus strand). Cytogenetic location: 2q32.2.
Variant type: single nucleotide variant.
Coding change: c.2563G>A on transcript NM_000393.5 (MANE Select); coding-DNA position 2563, G replaced by A.
Protein change: p.Gly855Arg; replaces glycine 855 with arginine.
Molecular consequence: missense variant.
Genome position (GRCh38, 1-based): chr2:189,053,009, C>T on the plus strand (G>A on the coding strand, the complement: COL5A2 is on the minus strand). VCF-style: chr2-189053009-C-T. GRCh37 (hg19) VCF-style: chr2-189917735-C-T.
Other names: short protein forms G855R.
Identifiers: ClinVar variation 422188 (VCV000422188.24), dbSNP rs1064795616, ClinGen allele CA16617398.